The following is an entry in ClinVar:

NM_145045.5(ODAD3):c.964-1G>A

Gene: ODAD3 (outer dynein arm docking complex subunit 3; minus strand). Cytogenetic location: 19p13.2.
Variant type: single nucleotide variant.
Coding change: c.964-1G>A on transcript NM_145045.5 (MANE Select); the canonical splice acceptor site of the intron before coding-DNA position 964, G replaced by A.
Molecular consequence: splice acceptor variant.
Genome position (GRCh38, 1-based): chr19:11,424,030, C>T on the plus strand (G>A on the coding strand, the complement: ODAD3 is on the minus strand). VCF-style: chr19-11424030-C-T. GRCh37 (hg19) VCF-style: chr19-11534699-C-T.
Other names: c.802-1G>A (NM_001302453.1); c.784-1G>A (NM_001302454.2).
Identifiers: ClinVar variation 570121 (VCV000570121.10), dbSNP rs1480671731, ClinGen allele CA404122049.
Genomic context (GRCh38, chr19:11,424,030, plus strand): 5'-GGCATGCAGGCTGTCCTGGATGGTGTCGTCGGACTGTAGCAGCAGGTGCTCGCGGTGGGT[C>T]TGCTCGTGGGTTGAGGTCAGAGCCAGGGTCAGCTGGTGGACAGCGCTTGGGAAGGAGGCC-3'

ClinVar aggregate classification (germline): Likely pathogenic. Review status: criteria provided, multiple submitters, no conflicts (2 of 4 stars). 2 submissions from 2 submitters: Likely pathogenic (2). Last evaluated 2024-01-09.

Conditions:
Primary ciliary dyskinesia 30. Also called: CILIARY DYSKINESIA, PRIMARY, 30, WITH OR WITHOUT SITUS INVERSUS. Identifiers: Orphanet 244, MedGen C4015016, MONDO:0014465, OMIM 616037.

Allele frequency attached by ClinVar (database versions not stated): gnomAD exomes below 0.00001 and 0.00001; TOPMed below 0.00001; gnomAD 0.00001.
gnomAD v4.1: 5 of 1,607,012 alleles (0.00031%); highest among the groups gnomAD compares: Admixed American, 0.005%; no homozygotes.

Submissions (2):

Mayo Clinic Laboratories, Mayo Clinic
Classification: Likely pathogenic. Last evaluated: 2024-01-09. Review status: criteria provided, single submitter. Criteria: ACMG Guidelines, 2015. Collection method: clinical testing. Allele origin: germline.
Comment: PM2, PM3_supporting, PVS1_strong

Labcorp Genetics (formerly Invitae), Labcorp
Classification: Likely pathogenic for Primary ciliary dyskinesia 30. Last evaluated: 2019-09-24. Review status: criteria provided, single submitter. Criteria: Invitae Variant Classification Sherloc (09022015). Collection method: clinical testing. Allele origin: germline.
Comment: This variant has not been reported in the literature in individuals with CCDC151-related disease. This variant is not present in population databases (ExAC no frequency). This sequence change affects an acceptor splice site in intron 7 of the CCDC151 gene. It is expected to disrupt RNA splicing and likely results in an absent or disrupted protein product. Donor and acceptor splice site variants typically lead to a loss of protein function (PMID: 16199547), and loss-of-function variants in CCDC151 are known to be pathogenic (PMID: 25192045). In summary, the currently available evidence indicates that the variant is pathogenic, but additional data are needed to prove that conclusively. Therefore, this variant has been classified as Likely Pathogenic.

Literature cited by the submitters: PubMed 16199547 (cited by Labcorp Genetics (formerly Invitae), Labcorp); PubMed 25192045 (cited by Labcorp Genetics (formerly Invitae), Labcorp).